The following is an entry in ClinVar:

NM_003722.5(TP63):c.1229C>T (p.Thr410Ile)

Gene: TP63 (tumor protein p63; plus strand). Cytogenetic location: 3q28.
Variant type: single nucleotide variant.
Coding change: c.1229C>T on transcript NM_003722.5 (MANE Select); coding-DNA position 1229, C replaced by T.
Protein change: p.Thr410Ile; replaces threonine 410 with isoleucine.
Molecular consequence: missense variant.
Genome position (GRCh38, 1-based): chr3:189,872,875, C>T. VCF-style: chr3-189872875-C-T. GRCh37 (hg19) VCF-style: chr3-189590664-C-T.
Other names: c.1217C>T, p.Thr406Ile (NM_001329148.2); c.935C>T, p.Thr312Ile (NM_001329149.2); c.680C>T, p.Thr227Ile (NM_001329150.2); c.1223C>T, p.Thr408Ile (NM_001329964.2); c.1229C>T, p.Thr410Ile (NM_001114978.2, NM_001114979.2, NM_001329144.2); c.947C>T, p.Thr316Ile (NM_001114980.2, NM_001114981.2, NM_001114982.2 and 1 more transcripts); c.692C>T, p.Thr231Ile (NM_001329146.2); short protein forms T312I, T408I, T227I, T231I, T406I, T316I, T410I.
Identifiers: ClinVar variation 3715804 (VCV003715804.1).

ClinVar aggregate classification (germline): Uncertain significance (1 of 4 stars; one submission).

Conditions:
TP63-Related Spectrum Disorders.

gnomAD v4.1: 22 of 1,614,132 alleles (0.0014%); highest among the groups gnomAD compares: Non-Finnish European, 0.0019%; no homozygotes.

Submission:

Labcorp Genetics (formerly Invitae), Labcorp
Classification: Uncertain significance. Last evaluated: 2024-05-29. Review status: criteria provided, single submitter. Criteria: Invitae Variant Classification Sherloc (09022015). Collection method: clinical testing. Allele origin: germline.
Comment: This sequence change replaces threonine, which is neutral and polar, with isoleucine, which is neutral and non-polar, at codon 410 of the TP63 protein (p.Thr410Ile). This variant is not present in population databases (gnomAD no frequency). This variant has not been reported in the literature in individuals affected with TP63-related conditions. Advanced modeling of protein sequence and biophysical properties (such as structural, functional, and spatial information, amino acid conservation, physicochemical variation, residue mobility, and thermodynamic stability) has been performed at Invitae for this missense variant, however the output from this modeling did not meet the statistical confidence thresholds required to predict the impact of this variant on TP63 protein function. In summary, the available evidence is currently insufficient to determine the role of this variant in disease. Therefore, it has been classified as a Variant of Uncertain Significance.